The following is an entry in ClinVar:

ClinVar aggregate classification (germline): Uncertain significance (1 of 4 stars; one submission).

Conditions:
Familial temporal lobe epilepsy 8. Identifiers: Orphanet 101046, MedGen C4225318, MONDO:0014650, OMIM 616461.

Allele frequency attached by ClinVar (database versions not stated): gnomAD 0.00001 and 0.00003; ExAC 0.00002; gnomAD exomes 0.00002; TOPMed 0.00003; ESP Exome Variant Server 0.00008.
gnomAD v4.1: 38 of 1,612,696 alleles (0.0024%); highest among the groups gnomAD compares: South Asian, 0.0077%; no homozygotes.

Submission:

Labcorp Genetics (formerly Invitae), Labcorp
Classification: Uncertain significance for Familial temporal lobe epilepsy 8. Last evaluated: 2022-07-26. Review status: criteria provided, single submitter. Criteria: Invitae Variant Classification Sherloc (09022015). Collection method: clinical testing. Allele origin: germline.
Comment: In summary, the available evidence is currently insufficient to determine the role of this variant in disease. Therefore, it has been classified as a Variant of Uncertain Significance. This variant has not been reported in the literature in individuals affected with GAL-related conditions. This variant is present in population databases (rs372372622, gnomAD 0.004%). This sequence change replaces arginine, which is basic and polar, with glutamine, which is neutral and polar, at codon 64 of the GAL protein (p.Arg64Gln). ClinVar contains an entry for this variant (Variation ID: 863573). Algorithms developed to predict the effect of missense changes on protein structure and function are either unavailable or do not agree on the potential impact of this missense change (SIFT: "Not Available"; PolyPhen-2: "Probably Damaging"; Align-GVGD: "Not Available").

NM_015973.5(GAL):c.191G>A (p.Arg64Gln)

Gene: GAL (galanin and GMAP prepropeptide; plus strand). Cytogenetic location: 11q13.2.
Variant type: single nucleotide variant.
Coding change: c.191G>A on transcript NM_015973.5 (MANE Select); coding-DNA position 191, G replaced by A.
Protein change: p.Arg64Gln; replaces arginine 64 with glutamine.
Molecular consequence: missense variant.
Genome position (GRCh38, 1-based): chr11:68,688,068, G>A. VCF-style: chr11-68688068-G-A. GRCh37 (hg19) VCF-style: chr11-68455536-G-A.
Other names: short protein forms R64Q.
Identifiers: ClinVar variation 863573 (VCV000863573.7), dbSNP rs372372622, ClinGen allele CA6151477.
Genomic context (GRCh38, chr11:68,688,068, plus strand): 5'-AAACAGATGCCGTTGGCAACCACAGGTCATTCAGCGACAAGAATGGCCTCACCAGCAAGC[G>A]GGAGCTGCGGCCCGAAGATGACATGAAACCAGGTGAGAGGACTCCTATCCCGGGCCCCGG-3'
Protein context (NP_057057.2, residues 54-74): FSDKNGLTSK[Arg64Gln]ELRPEDDMKP